The following is an entry in ClinVar:

NM_001206927.2(DNAH8):c.11345A>C (p.Asn3782Thr)

Genes: DNAH8 (dynein axonemal heavy chain 8; plus strand), DNAH8-AS1 (DNAH8 antisense RNA 1; minus strand). Cytogenetic location: 6p21.2.
Variant type: single nucleotide variant.
Coding change: c.11345A>C on transcript NM_001206927.2 (MANE Select); coding-DNA position 11345, A replaced by C.
Protein change: p.Asn3782Thr; replaces asparagine 3782 with threonine.
Molecular consequence: missense variant.
Genome position (GRCh38, 1-based): chr6:38,931,881, A>C. VCF-style: chr6-38931881-A-C. GRCh37 (hg19) VCF-style: chr6-38899657-A-C.
Other names: c.10694A>C, p.Asn3565Thr (NM_001371.4); short protein forms N3565T, N3782T.
Identifiers: ClinVar variation 849895 (VCV000849895.21), dbSNP rs150057448, ClinGen allele CA3791021.

ClinVar aggregate classification (germline): Uncertain significance. Review status: criteria provided, multiple submitters, no conflicts (2 of 4 stars). 3 submissions from 3 submitters: Uncertain significance (3). Last evaluated 2024-10-29.

Conditions:
Primary ciliary dyskinesia. Also called: Ciliary dyskinesia. Identifiers: Orphanet 244, MedGen C0008780, MONDO:0016575, HP:0012265.
Spermatogenic failure 46. Identifiers: MedGen C5436799, MONDO:0033673, OMIM 619095.

Allele frequency attached by ClinVar (database versions not stated): ExAC 0.00003; TOPMed 0.00003; gnomAD 0.00004; gnomAD exomes 0.00005; ESP Exome Variant Server 0.00008; 1000 Genomes Project 0.00020; 1000 Genomes Project 30x 0.00031.
gnomAD v4.1: 46 of 1,611,364 alleles (0.0029%); highest among the groups gnomAD compares: Middle Eastern, 0.033%; no homozygotes.

Submissions (3):

Labcorp Genetics (formerly Invitae), Labcorp
Classification: Uncertain significance for Primary ciliary dyskinesia. Last evaluated: 2024-10-29. Review status: criteria provided, single submitter. Criteria: Invitae Variant Classification Sherloc (09022015). Collection method: clinical testing. Allele origin: germline.
Comment: This sequence change replaces asparagine, which is neutral and polar, with threonine, which is neutral and polar, at codon 3782 of the DNAH8 protein (p.Asn3782Thr). This variant is present in population databases (rs150057448, gnomAD 0.02%). This variant has not been reported in the literature in individuals affected with DNAH8-related conditions. ClinVar contains an entry for this variant (Variation ID: 849895). Invitae Evidence Modeling of protein sequence and biophysical properties (such as structural, functional, and spatial information, amino acid conservation, physicochemical variation, residue mobility, and thermodynamic stability) indicates that this missense variant is expected to disrupt DNAH8 protein function with a positive predictive value of 80%. In summary, the available evidence is currently insufficient to determine the role of this variant in disease. Therefore, it has been classified as a Variant of Uncertain Significance.

Ambry Genetics
Classification: Uncertain significance. Last evaluated: 2024-04-23. Review status: criteria provided, single submitter. Criteria: Ambry Variant Classification Scheme 2023. Collection method: clinical testing. Allele origin: germline.

Fulgent Genetics
Classification: Uncertain significance for Spermatogenic failure 46. Last evaluated: 2021-11-24. Review status: criteria provided, single submitter. Criteria: ACMG Guidelines, 2015. Collection method: clinical testing. Allele origin: unknown.